The following is an entry in ClinVar:

ClinVar aggregate classification (germline): Uncertain significance (1 of 4 stars; one submission).

Conditions:
Inborn genetic diseases. Identifiers: MedGen C0950123, MeSH D030342.

Submission:

Ambry Genetics
Classification: Uncertain significance for Inborn genetic diseases. Last evaluated: 2024-09-21. Review status: criteria provided, single submitter. Criteria: Ambry Variant Classification Scheme 2023. Collection method: clinical testing. Allele origin: germline.
Comment: The p.T149I variant (also known as c.446C>T), located in coding exon 5 of the LRRK2 gene, results from a C to T substitution at nucleotide position 446. The threonine at codon 149 is replaced by isoleucine, an amino acid with similar properties. This amino acid position is conserved. In addition, this alteration is predicted to be tolerated by in silico analysis. Based on the available evidence, the clinical significance of this variant remains unclear.

NM_198578.4(LRRK2):c.446C>T (p.Thr149Ile)

Gene: LRRK2 (leucine rich repeat kinase 2; plus strand). Cytogenetic location: 12q12.
Variant type: single nucleotide variant.
Coding change: c.446C>T on transcript NM_198578.4 (MANE Select); coding-DNA position 446, C replaced by T.
Protein change: p.Thr149Ile; replaces threonine 149 with isoleucine.
Molecular consequence: missense variant.
Genome position (GRCh38, 1-based): chr12:40,237,978, C>T. VCF-style: chr12-40237978-C-T. GRCh37 (hg19) VCF-style: chr12-40631780-C-T.
Other names: short protein forms T149I.
Identifiers: ClinVar variation 3540515 (VCV003540515.1).